The following is an entry in ClinVar:

NM_001330588.2(TPP2):c.200T>C (p.Ile67Thr)

Gene: TPP2 (tripeptidyl peptidase 2; plus strand). Cytogenetic location: 13q33.1.
Variant type: single nucleotide variant.
Coding change: c.200T>C on transcript NM_001330588.2 (MANE Select); coding-DNA position 200, T replaced by C.
Protein change: p.Ile67Thr; replaces isoleucine 67 with threonine.
Molecular consequence: missense variant. On other transcripts: non-coding transcript variant (1).
Genome position (GRCh38, 1-based): chr13:102,604,827, T>C. VCF-style: chr13-102604827-T-C. GRCh37 (hg19) VCF-style: chr13-103257177-T-C.
Other names: c.200T>C, p.Ile67Thr (NM_001367947.1, NM_003291.4); c.200T>C (NM_003291.2); short protein forms I67T.
Identifiers: ClinVar variation 2164404 (VCV002164404.5), dbSNP rs759643720, ClinGen allele CA7037437.
Genomic context (GRCh38, chr13:102,604,827, plus strand): 5'-CATATTTTAATTTTCTTAATTTTCAGGTTACAACTGATGGAAAACCAAAAATCGTTGATA[T>C]CATTGATACAACAGGAAGTGGCGATGTGAATACTGCTACAGAAGTAGAGCCAAAGGATGG-3'
Protein context (NP_001317517.1, residues 57-77): TTDGKPKIVD[Ile67Thr]IDTTGSGDVN

ClinVar aggregate classification (germline): Uncertain significance. Review status: criteria provided, multiple submitters, no conflicts (2 of 4 stars). 2 submissions from 2 submitters: Uncertain significance (2). Last evaluated 2025-04-07.

Conditions:
Evans syndrome, immunodeficiency, and premature immunosenescence associated with tripeptidyl-peptidase II deficiency. Identifiers: MedGen CN231723. Disease mechanism: loss of function.
Inborn genetic diseases. Identifiers: MedGen C0950123, MeSH D030342.

Allele frequency attached by ClinVar (database versions not stated): ExAC 0.00001; gnomAD 0.00001; TOPMed 0.00002; gnomAD exomes 0.00003.
gnomAD v4.1: 51 of 1,612,816 alleles (0.0032%); highest among the groups gnomAD compares: Non-Finnish European, 0.0042%; no homozygotes.

Submissions (2):

Labcorp Genetics (formerly Invitae), Labcorp
Classification: Uncertain significance for Evans syndrome, immunodeficiency, and premature immunosenescence associated with tripeptidyl-peptidase II deficiency. Last evaluated: 2025-04-07. Review status: criteria provided, single submitter. Criteria: Invitae Variant Classification Sherloc (09022015). Collection method: clinical testing. Allele origin: germline.
Comment: This sequence change replaces isoleucine, which is neutral and non-polar, with threonine, which is neutral and polar, at codon 67 of the TPP2 protein (p.Ile67Thr). This variant is present in population databases (rs759643720, gnomAD 0.003%). This variant has not been reported in the literature in individuals affected with TPP2-related conditions. ClinVar contains an entry for this variant (Variation ID: 2164404). An algorithm developed to predict the effect of missense changes on protein structure and function (PolyPhen-2) suggests that this variant is likely to be disruptive. In summary, the available evidence is currently insufficient to determine the role of this variant in disease. Therefore, it has been classified as a Variant of Uncertain Significance.

Ambry Genetics
Classification: Uncertain significance for Inborn genetic diseases. Last evaluated: 2021-08-02. Review status: criteria provided, single submitter. Criteria: Ambry Variant Classification Scheme 2023. Collection method: clinical testing. Allele origin: germline.